The following is an entry in ClinVar:

ClinVar aggregate classification (germline): Uncertain significance. Review status: criteria provided, multiple submitters, no conflicts (2 of 4 stars). 2 submissions from 2 submitters: Uncertain significance (2). Last evaluated 2025-03-15.

Conditions:
Inborn genetic diseases. Identifiers: MedGen C0950123, MeSH D030342.
Charcot-Marie-Tooth disease type 4. Also called: Charcot-Marie-Tooth, Type 4; Charcot-Marie-Tooth disease, type IV. Identifiers: Orphanet 64749, MedGen C4082197, MONDO:0018995.

Submissions (2):

Ambry Genetics
Classification: Uncertain significance for Inborn genetic diseases. Last evaluated: 2025-03-15. Review status: criteria provided, single submitter. Criteria: Ambry Variant Classification Scheme 2023. Collection method: clinical testing. Allele origin: germline.

Labcorp Genetics (formerly Invitae), Labcorp
Classification: Uncertain significance for Charcot-Marie-Tooth disease type 4. Last evaluated: 2021-10-20. Review status: criteria provided, single submitter. Criteria: Invitae Variant Classification Sherloc (09022015). Collection method: clinical testing. Allele origin: germline.
Comment: This sequence change replaces aspartic acid with glycine at codon 138 of the FIG4 protein (p.Asp138Gly). The aspartic acid residue is moderately conserved and there is a moderate physicochemical difference between aspartic acid and glycine. This variant is not present in population databases (ExAC no frequency). This variant has not been reported in the literature in individuals affected with FIG4-related conditions. Algorithms developed to predict the effect of missense changes on protein structure and function are either unavailable or do not agree on the potential impact of this missense change (SIFT: "Tolerated"; PolyPhen-2: "Probably Damaging"; Align-GVGD: "Class C0"). In summary, the available evidence is currently insufficient to determine the role of this variant in disease. Therefore, it has been classified as a Variant of Uncertain Significance.

NM_014845.6(FIG4):c.413A>G (p.Asp138Gly)

Gene: FIG4 (FIG4 phosphoinositide 5-phosphatase; plus strand). Cytogenetic location: 6q21.
Variant type: single nucleotide variant.
Coding change: c.413A>G on transcript NM_014845.6 (MANE Select); coding-DNA position 413, A replaced by G.
Protein change: p.Asp138Gly; replaces aspartic acid 138 with glycine.
Molecular consequence: missense variant.
Genome position (GRCh38, 1-based): chr6:109,727,232, A>G. VCF-style: chr6-109727232-A-G. GRCh37 (hg19) VCF-style: chr6-110048435-A-G.
Other names: c.413A>G (NM_014845.5); short protein forms D138G.
Identifiers: ClinVar variation 1387996 (VCV001387996.4), dbSNP rs1775848896, ClinGen allele CA365217268.